The following is an entry in ClinVar:

NM_003791.4(MBTPS1):c.373C>T (p.Arg125Trp)

Gene: MBTPS1 (membrane bound transcription factor peptidase, site 1; minus strand). Cytogenetic location: 16q23.3.
Variant type: single nucleotide variant.
Coding change: c.373C>T on transcript NM_003791.4 (MANE Select); coding-DNA position 373, C replaced by T.
Protein change: p.Arg125Trp; replaces arginine 125 with tryptophan.
Molecular consequence: missense variant.
Genome position (GRCh38, 1-based): chr16:84,099,101, G>A on the plus strand (C>T on the coding strand, the complement: MBTPS1 is on the minus strand). VCF-style: chr16-84099101-G-A. GRCh37 (hg19) VCF-style: chr16-84132706-G-A.
Other names: short protein forms R125W.
Identifiers: ClinVar variation 1949773 (VCV001949773.5), dbSNP rs150244031, ClinGen allele CA8201810.

ClinVar aggregate classification (germline): Uncertain significance (1 of 4 stars; one submission).

Allele frequency attached by ClinVar (database versions not stated): TOPMed below 0.00001; gnomAD 0.00001; ExAC 0.00002; gnomAD exomes 0.00002; 1000 Genomes Project 30x 0.00016; 1000 Genomes Project 0.00020.
gnomAD v4.1: 27 of 1,614,100 alleles (0.0017%); highest among the groups gnomAD compares: East Asian, 0.049%; no homozygotes.

Submission:

Labcorp Genetics (formerly Invitae), Labcorp
Classification: Uncertain significance. Last evaluated: 2025-10-21. Review status: criteria provided, single submitter. Criteria: Invitae Variant Classification Sherloc (09022015). Collection method: clinical testing. Allele origin: germline.
Comment: This sequence change replaces arginine, which is basic and polar, with tryptophan, which is neutral and slightly polar, at codon 125 of the MBTPS1 protein (p.Arg125Trp). This variant is present in population databases (rs150244031, gnomAD 0.02%). This variant has not been reported in the literature in individuals affected with MBTPS1-related conditions. ClinVar contains an entry for this variant (Variation ID: 1949773). An algorithm developed to predict the effect of missense changes on protein structure and function (PolyPhen-2) suggests that this variant is likely to be disruptive. In summary, the available evidence is currently insufficient to determine the role of this variant in disease. Therefore, it has been classified as a Variant of Uncertain Significance.